The following is an entry in ClinVar:

NM_173660.5(DOK7):c.946A>G (p.Arg316Gly)

Gene: DOK7 (docking protein 7; plus strand). Cytogenetic location: 4p16.3.
Variant type: single nucleotide variant.
Coding change: c.946A>G on transcript NM_173660.5 (MANE Select); coding-DNA position 946, A replaced by G.
Protein change: p.Arg316Gly; replaces arginine 316 with glycine.
Molecular consequence: missense variant. On other transcripts: 3 prime UTR variant (1).
Genome position (GRCh38, 1-based): chr4:3,492,932, A>G. VCF-style: chr4-3492932-A-G. GRCh37 (hg19) VCF-style: chr4-3494659-A-G.
Other names: c.514A>G, p.Arg172Gly (NM_001363811.2); c.*167A>G (NM_001164673.2); c.16A>G, p.Arg6Gly (NM_001256896.2); c.946A>G, p.Arg316Gly (NM_001301071.2); short protein forms R172G, R6G, R316G.
Identifiers: ClinVar variation 855951 (VCV000855951.6), dbSNP rs898373845, ClinGen allele CA91556526.
Genomic context (GRCh38, chr4:3,492,932, plus strand): 5'-CAGGAGGGGCCTAGACCAGCAGCTGCCCAGGCCGCCGGGGAAGCCATGGTGGGTGCCTCA[A>G]GGCCACCCCCCAAGCCGCTGCGTCCGCGGCAGCTGCAGGAGGTTGGCCGCCAGAGCTCCT-3'
Protein context (NP_775931.3, residues 306-326): AAGEAMVGAS[Arg316Gly]PPPKPLRPRQ

ClinVar aggregate classification (germline): Uncertain significance (1 of 4 stars; one submission).

Conditions:
Fetal akinesia deformation sequence 1 (FADS1). Also called: Pena-Shokeir syndrome type I; Fetal akinesia sequence. Identifiers: Orphanet 994, MedGen C1276035, MONDO:0100101, OMIM 208150, HP:0001989.
Congenital myasthenic syndrome 10. Also called: Myasthenia, limb-girdle, familial. Identifiers: Orphanet 590, MedGen C1850792, MONDO:0009690, OMIM 254300.

Allele frequency attached by ClinVar (database versions not stated): gnomAD exomes 0.00001; TOPMed 0.00001.
gnomAD v4.1: 40 of 1,559,038 alleles (0.0026%); highest among the groups gnomAD compares: Non-Finnish European, 0.0033%; no homozygotes.

Submission:

Labcorp Genetics (formerly Invitae), Labcorp
Classification: Uncertain significance for Congenital myasthenic syndrome 10; Fetal akinesia deformation sequence 1. Last evaluated: 2022-07-12. Review status: criteria provided, single submitter. Criteria: Invitae Variant Classification Sherloc (09022015). Collection method: clinical testing. Allele origin: germline.
Comment: This sequence change replaces arginine, which is basic and polar, with glycine, which is neutral and non-polar, at codon 316 of the DOK7 protein (p.Arg316Gly). This variant is present in population databases (no rsID available, gnomAD 0.008%). This variant has not been reported in the literature in individuals affected with DOK7-related conditions. ClinVar contains an entry for this variant (Variation ID: 855951). Algorithms developed to predict the effect of missense changes on protein structure and function are either unavailable or do not agree on the potential impact of this missense change (SIFT: "Deleterious"; PolyPhen-2: "Probably Damaging"; Align-GVGD: "Class C0"). Algorithms developed to predict the effect of sequence changes on RNA splicing suggest that this variant may create or strengthen a splice site. In summary, the available evidence is currently insufficient to determine the role of this variant in disease. Therefore, it has been classified as a Variant of Uncertain Significance.